The following is an entry in ClinVar:

ClinVar aggregate classification (germline): Pathogenic (1 of 4 stars; one submission).

Conditions:
Intellectual disability, X-linked 102 (MRXSSB). Also called: Intellectual developmental disorder, X-linked syndromic, Snijders Blok type. Identifiers: Orphanet 457260, MedGen C5393299, MONDO:0010497, OMIM 300958.

Submission:

GeneDx
Classification: Pathogenic. Last evaluated: 2017-03-07. Review status: criteria provided, single submitter. Criteria: GeneDx Variant Classification (06012015). Collection method: clinical testing. Allele origin: germline. Affected: yes.
Comment: The K288E variant in the DDX3X gene has not been reported previously as a pathogenic variant nor as a benign variant, to our knowledge. The K288E variant is not observed in large population cohorts (Lek et al., 2016; 1000 Genomes Consortium et al., 2015; Exome Variant Server). The K288E variant is a non-conservative amino acid substitution, which is likely to impact secondary protein structure as these residues differ in polarity, charge, size and/or other properties. This substitution occurs at a position that is conserved across species and is within the helicase ATP-binding domain, a functionally important region of the protein. In silico analysis predicts this variant is probably damaging to the protein structure/function. Therefore, we interpret K288E as a pathogenic variant.

NM_001356.5(DDX3X):c.862A>G (p.Lys288Glu)

Gene: DDX3X (DEAD-box helicase 3 X-linked; plus strand). Cytogenetic location: Xp11.4.
Variant type: single nucleotide variant.
Coding change: c.862A>G on transcript NM_001356.5 (MANE Select); coding-DNA position 862, A replaced by G.
Protein change: p.Lys288Glu; replaces lysine 288 with glutamic acid.
Molecular consequence: missense variant. On other transcripts: non-coding transcript variant (1).
Genome position (GRCh38, 1-based): chrX:41,344,126, A>G. VCF-style: chrX-41344126-A-G. GRCh37 (hg19) VCF-style: chrX-41203379-A-G.
Other names: c.862A>G, p.Lys288Glu (NM_001193416.3); c.814A>G, p.Lys272Glu (NM_001193417.3); c.304A>G, p.Lys102Glu (NM_001363819.1); short protein forms K288E, K102E, K272E.
Identifiers: ClinVar variation 424139 (VCV000424139.4), dbSNP rs1064796820, ClinGen allele CA16621383.